The following is an entry in ClinVar:

ClinVar aggregate classification (germline): Uncertain significance (1 of 4 stars; one submission).

gnomAD v4.1: 4 of 1,613,786 alleles (0.00025%); highest among the groups gnomAD compares: Admixed American, 0.0017%; no homozygotes.

Submission:

Ambry Genetics
Classification: Uncertain significance. Last evaluated: 2026-01-14. Review status: criteria provided, single submitter. Criteria: Ambry Variant Classification Scheme 2023. Collection method: clinical testing. Allele origin: germline.
Comment: The c.356G>C (p.R119P) alteration is located in exon 1 (coding exon 1) of the HOXC10 gene. This alteration results from a G to C substitution at nucleotide position 356, causing the arginine (R) at amino acid position 119 to be replaced by a proline (P). Based on data from gnomAD, the C allele has an overall frequency of <0.001% (1/251050) total alleles studied. The highest observed frequency was 0.003% (1/34588) of Latino alleles. Based on insufficient or conflicting evidence, the clinical significance of this alteration remains unclear.

NM_017409.4(HOXC10):c.356G>C (p.Arg119Pro)

Gene: HOXC10 (homeobox C10; plus strand). Cytogenetic location: 12q13.13.
Variant type: single nucleotide variant.
Coding change: c.356G>C on transcript NM_017409.4 (MANE Select); coding-DNA position 356, G replaced by C.
Protein change: p.Arg119Pro; replaces arginine 119 with proline.
Molecular consequence: missense variant.
Genome position (GRCh38, 1-based): chr12:53,985,615, G>C. VCF-style: chr12-53985615-G-C. GRCh37 (hg19) VCF-style: chr12-54379399-G-C.
Other names: short protein forms R119P.
Identifiers: ClinVar variation 4839257 (VCV004839257.1).